The following is an entry in ClinVar:

NM_014915.3(ANKRD26):c.2319A>G (p.Ile773Met)

Gene: ANKRD26 (ankyrin repeat domain containing 26; minus strand). Cytogenetic location: 10p12.1.
Variant type: single nucleotide variant.
Coding change: c.2319A>G on transcript NM_014915.3 (MANE Select); coding-DNA position 2319, A replaced by G.
Protein change: p.Ile773Met; replaces isoleucine 773 with methionine.
Molecular consequence: missense variant.
Genome position (GRCh38, 1-based): chr10:27,040,021, T>C on the plus strand (A>G on the coding strand, the complement: ANKRD26 is on the minus strand). VCF-style: chr10-27040021-T-C. GRCh37 (hg19) VCF-style: chr10-27328950-T-C.
Other names: c.2316A>G, p.Ile772Met (NM_001256053.2); short protein forms I772M, I773M.
Identifiers: ClinVar variation 3394635 (VCV003394635.1).

ClinVar aggregate classification (germline): Uncertain significance (1 of 4 stars; one submission).

Conditions:
Inborn genetic diseases. Identifiers: MedGen C0950123, MeSH D030342.

gnomAD v4.1: 2 of 1,613,826 alleles (0.00012%); highest among the groups gnomAD compares: Non-Finnish European, 0.00017%; no homozygotes.

Submission:

Ambry Genetics
Classification: Uncertain significance for Inborn genetic diseases. Last evaluated: 2024-11-25. Review status: criteria provided, single submitter. Criteria: Ambry Variant Classification Scheme 2023. Collection method: clinical testing. Allele origin: germline.
Comment: The p.I773M variant (also known as c.2319A>G), located in coding exon 21 of the ANKRD26 gene, results from an A to G substitution at nucleotide position 2319. The isoleucine at codon 773 is replaced by methionine, an amino acid with highly similar properties. This amino acid position is conserved. In addition, this alteration is predicted to be tolerated by in silico analysis. Based on the available evidence, the clinical significance of this variant remains unclear.